The following is an entry in ClinVar:

ClinVar aggregate classification (germline): Likely benign (1 of 4 stars; one submission).

Allele frequency attached by ClinVar (database versions not stated): gnomAD exomes below 0.00001.
gnomAD v4.1: 1 of 1,450,486 alleles (0.000069%); highest among the groups gnomAD compares: Admixed American, 0.0017%; no homozygotes.

Submission:

GeneDx
Classification: Likely benign. Last evaluated: 2016-10-19. Review status: criteria provided, single submitter. Criteria: GeneDx Variant Classification (06012015). Collection method: clinical testing. Allele origin: germline. Affected: yes.
Comment: This variant is considered likely benign or benign based on one or more of the following criteria: it is a conservative change, it occurs at a poorly conserved position in the protein, it is predicted to be benign by multiple in silico algorithms, and/or has population frequency not consistent with disease.

NM_001199397.3(NEK1):c.-9A>G

Gene: NEK1 (NIMA related kinase 1; minus strand). Cytogenetic location: 4q33.
Variant type: single nucleotide variant.
Coding change: c.-9A>G on transcript NM_001199397.3 (MANE Select); 9 bases upstream of the start codon, A replaced by G.
Molecular consequence: 5 prime UTR variant. On other transcripts: non-coding transcript variant (2).
Genome position (GRCh38, 1-based): chr4:169,602,639, T>C on the plus strand (A>G on the coding strand, the complement: NEK1 is on the minus strand). VCF-style: chr4-169602639-T-C. GRCh37 (hg19) VCF-style: chr4-170523790-T-C.
Other names: c.-9A>G (NM_001199398.3, NM_001199399.3, NM_001199400.3 and 7 more transcripts).
Identifiers: ClinVar variation 390395 (VCV000390395.1), dbSNP rs1057523759, ClinGen allele CA16604693.